The following is an entry in ClinVar:

ClinVar aggregate classification (germline): Likely benign. Review status: criteria provided, multiple submitters, no conflicts (2 of 4 stars). 3 submissions from 3 submitters: Likely benign (2). 1 of the submissions does not count toward it. Last evaluated 2025-02-18.

Conditions:
Leber congenital amaurosis (LCA). Also called: Leber's amaurosis. Identifiers: Orphanet 65, MedGen C0339527, MeSH D057130, MONDO:0018998.
Retinitis pigmentosa 20 (RP20). Identifiers: Orphanet 791, MedGen C3151086, MONDO:0013425, OMIM 613794.
Leber congenital amaurosis 2 (LCA2). Also called: AMAUROSIS CONGENITA OF LEBER II; Autosomal Recessive RPE65-Related Retinal Degeneration. Identifiers: Orphanet 65, MedGen C1859844, MONDO:0008765, OMIM 204100. Disease mechanism: loss of function.
RPE65-related disorder. Also called: RPE65-related disorders; RPE65-related condition. Identifiers: MedGen CN239301.

Allele frequency attached by ClinVar (database versions not stated): ExAC 0.00001; gnomAD 0.00001; gnomAD exomes 0.00001 and 0.00002; 1000 Genomes Project 30x 0.00016; 1000 Genomes Project 0.00020.
gnomAD v4.1: 15 of 1,613,746 alleles (0.00093%); highest among the groups gnomAD compares: African/African-American, 0.012%; no homozygotes.

Submissions (3):

PreventionGenetics, part of Exact Sciences
Classification: Likely benign for RPE65-related condition. Last evaluated: 2025-02-18. Review status: criteria provided, single submitter. Criteria: ACMG Guidelines, 2015. Collection method: clinical testing. Allele origin: germline.
Comment: This variant is classified as likely benign based on ACMG/AMP sequence variant interpretation guidelines (Richards et al. 2015 PMID: 25741868, with internal and published modifications).

Labcorp Genetics (formerly Invitae), Labcorp
Classification: Likely benign for Leber congenital amaurosis 2; Retinitis pigmentosa 20. Last evaluated: 2025-02-03. Review status: criteria provided, single submitter. Criteria: Invitae Variant Classification Sherloc (09022015). Collection method: clinical testing. Allele origin: germline.

Natera, Inc.
Classification: Uncertain significance for Leber congenital amaurosis. Last evaluated: 2020-02-13. Review status: no assertion criteria provided. Collection method: clinical testing. Allele origin: germline. Not counted in ClinVar's aggregate classification.

NM_000329.3(RPE65):c.1431T>C (p.Asp477=)

Gene: RPE65 (retinoid isomerohydrolase RPE65; minus strand). Cytogenetic location: 1p31.3.
Variant type: single nucleotide variant.
Coding change: c.1431T>C on transcript NM_000329.3 (MANE Select); coding-DNA position 1431, T replaced by C.
Protein change: p.Asp477=; no amino-acid change (aspartic acid 477 retained).
Molecular consequence: synonymous variant.
Genome position (GRCh38, 1-based): chr1:68,431,084, A>G on the plus strand (T>C on the coding strand, the complement: RPE65 is on the minus strand). VCF-style: chr1-68431084-A-G. GRCh37 (hg19) VCF-style: chr1-68896767-A-G.
Identifiers: ClinVar variation 772454 (VCV000772454.11), dbSNP rs570518981, ClinGen allele CA902176.